The following is an entry in ClinVar:

NM_004706.4(ARHGEF1):c.2405C>T (p.Ala802Val)

Gene: ARHGEF1 (Rho guanine nucleotide exchange factor 1; plus strand). Cytogenetic location: 19q13.2.
Variant type: single nucleotide variant.
Coding change: c.2405C>T on transcript NM_004706.4 (MANE Select); coding-DNA position 2405, C replaced by T.
Protein change: p.Ala802Val; replaces alanine 802 with valine.
Molecular consequence: missense variant. On other transcripts: non-coding transcript variant (2).
Genome position (GRCh38, 1-based): chr19:41,905,939, C>T. VCF-style: chr19-41905939-C-T. GRCh37 (hg19) VCF-style: chr19-42410091-C-T.
Other names: c.2573C>T, p.Ala858Val (NM_001396000.1); c.2306C>T, p.Ala769Val (NM_001396002.1, NM_001396004.1, NM_198977.2); c.2405C>T, p.Ala802Val (NM_001396003.1, NM_001396006.1); c.2450C>T, p.Ala817Val (NM_199002.2); short protein forms A858V, A769V, A802V, A817V.
Identifiers: ClinVar variation 2776694 (VCV002776694.3), dbSNP rs1555850088, ClinGen allele CA406068239.
Genomic context (GRCh38, chr19:41,905,939, plus strand): 5'-AGAGAGGCATCCACAGGAGGCCCGGCAGGATCTGAGCTCCCTCTCTGTTCCCCAATCCAG[C>T]CCGGACCGAGAGAATCCTCAGTGACCTCCTGCCCTTCTGCAGACCAGGCCCCGAGGGCCA-3'
Protein context (NP_004697.2, residues 792-812): NGGRETSPAD[Ala802Val]RTERILSDLL

ClinVar aggregate classification (germline): Uncertain significance (1 of 4 stars; one submission).

Allele frequency attached by ClinVar (database versions not stated): gnomAD exomes 0.00002.

Submission:

Labcorp Genetics (formerly Invitae), Labcorp
Classification: Uncertain significance. Last evaluated: 2023-12-21. Review status: criteria provided, single submitter. Criteria: Invitae Variant Classification Sherloc (09022015). Collection method: clinical testing. Allele origin: germline.
Comment: This sequence change replaces alanine, which is neutral and non-polar, with valine, which is neutral and non-polar, at codon 817 of the ARHGEF1 protein (p.Ala817Val). This variant is present in population databases (no rsID available, gnomAD 0.006%). This variant has not been reported in the literature in individuals affected with ARHGEF1-related conditions. An algorithm developed to predict the effect of missense changes on protein structure and function (PolyPhen-2) suggests that this variant is likely to be tolerated. In summary, the available evidence is currently insufficient to determine the role of this variant in disease. Therefore, it has been classified as a Variant of Uncertain Significance.